The following is an entry in ClinVar:

NM_001291303.3(FAT4):c.3388G>A (p.Gly1130Arg)

Gene: FAT4 (FAT atypical cadherin 4; plus strand). Cytogenetic location: 4q28.1.
Variant type: single nucleotide variant.
Coding change: c.3388G>A on transcript NM_001291303.3 (MANE Select); coding-DNA position 3388, G replaced by A.
Protein change: p.Gly1130Arg; replaces glycine 1130 with arginine.
Molecular consequence: missense variant.
Genome position (GRCh38, 1-based): chr4:125,319,799, G>A. VCF-style: chr4-125319799-G-A. GRCh37 (hg19) VCF-style: chr4-126240954-G-A.
Other names: c.3388G>A, p.Gly1130Arg (NM_001291285.3, NM_024582.6); short protein forms G1130R.
Identifiers: ClinVar variation 2088355 (VCV002088355.4), dbSNP rs2125943234, ClinGen allele CA358122453.

ClinVar aggregate classification (germline): Uncertain significance (1 of 4 stars; one submission).

Allele frequency attached by ClinVar (database versions not stated): gnomAD 0.00001.
gnomAD v4.1: 2 of 1,614,166 alleles (0.00012%); highest among the groups gnomAD compares: South Asian, 0.0022%; no homozygotes.

Submission:

Labcorp Genetics (formerly Invitae), Labcorp
Classification: Uncertain significance. Last evaluated: 2022-01-20. Review status: criteria provided, single submitter. Criteria: Invitae Variant Classification Sherloc (09022015). Collection method: clinical testing. Allele origin: germline.
Comment: This sequence change replaces glycine, which is neutral and non-polar, with arginine, which is basic and polar, at codon 1130 of the FAT4 protein (p.Gly1130Arg). This variant is not present in population databases (gnomAD no frequency). This variant has not been reported in the literature in individuals affected with FAT4-related conditions. Advanced modeling of protein sequence and biophysical properties (such as structural, functional, and spatial information, amino acid conservation, physicochemical variation, residue mobility, and thermodynamic stability) performed at Invitae indicates that this missense variant is expected to disrupt FAT4 protein function. In summary, the available evidence is currently insufficient to determine the role of this variant in disease. Therefore, it has been classified as a Variant of Uncertain Significance.